The following is an entry in ClinVar:

ClinVar aggregate classification (germline): Uncertain significance. Review status: criteria provided, multiple submitters, no conflicts (2 of 4 stars). 4 submissions from 4 submitters: Uncertain significance (4). Last evaluated 2026-03-04.

Conditions:
BRCA1-related disorder. Also called: BRCA1-related condition.
Breast-ovarian cancer, familial, susceptibility to, 1 (BROVCA1). Also called: BRCA1 Hereditary Breast and Ovarian Cancer; OVARIAN CANCER, SUSCEPTIBILITY TO. Identifiers: Orphanet 145, MedGen C2676676, MONDO:0011450, OMIM 604370. Disease mechanism: loss of function.
Hereditary breast ovarian cancer syndrome. Also called: Hereditary breast and ovarian cancer syndrome; Breast and ovarian cancer; Hereditary breast and ovarian cancer syndrome (HBOC); Hereditary breast and/or ovarian cancer syndrome; BRCA1- and BRCA2-Associated Hereditary Breast and Ovarian Cancer; Hereditary breast and ovarian cancer. Identifiers: Orphanet 145, MedGen C0677776, MeSH D061325, MONDO:0003582. Disease mechanism: loss of function.

Allele frequency attached by ClinVar (database versions not stated): gnomAD exomes below 0.00001.
gnomAD v4.1: 1 of 1,603,288 alleles (0.000062%); highest among the groups gnomAD compares: Non-Finnish European, 0.000085%; no homozygotes.

Submissions (4):

PreventionGenetics, part of Exact Sciences
Classification: Uncertain significance for BRCA1-related condition. Last evaluated: 2026-03-04. Review status: criteria provided, single submitter. Criteria: ACMG Guidelines, 2015. Collection method: clinical testing. Allele origin: germline.
Comment: The BRCA1 c.213-14C>G variant is predicted to interfere with splicing. This variant was reported in individuals with breast cancer (Gelli et al. 2019. PubMed ID: 30832263; Guindalini et al. 2022. PubMed ID: 35264596). Functional studies showed this variant results in a partial splicing defect (Gelli et al. 2019. PubMed ID: 30832263; Wai et al. 2020. PubMed ID: 32123317). This variant has not been reported in a large population database (gnomAD), indicating this variant is rare. This variant is interpreted as uncertain in ClinVar (Variation ID: 409321). At this time, the clinical significance of this variant is uncertain due to the absence of conclusive functional and genetic evidence.

Labcorp Genetics (formerly Invitae), Labcorp
Classification: Uncertain significance for Hereditary breast ovarian cancer syndrome. Last evaluated: 2025-09-16. Review status: criteria provided, single submitter. Criteria: Invitae Variant Classification Sherloc (09022015). Collection method: clinical testing. Allele origin: germline.
Comment: This sequence change falls in intron 4 of the BRCA1 gene. It does not directly change the encoded amino acid sequence of the BRCA1 protein. This variant is not present in population databases (gnomAD no frequency). This variant has been observed in individual(s) with BRCA1-related conditions (PMID: 30832263, 35264596). ClinVar contains an entry for this variant (Variation ID: 409321). Studies have shown that this variant is associated with inconclusive levels of altered splicing (PMID: 30832263, 32123317). In summary, the available evidence is currently insufficient to determine the role of this variant in disease. Therefore, it has been classified as a Variant of Uncertain Significance.

Women's Health and Genetics/Laboratory Corporation of America, LabCorp
Classification: Uncertain significance. Last evaluated: 2019-07-15. Review status: criteria provided, single submitter. Criteria: LabCorp Variant Classification Summary - May 2015. Collection method: clinical testing. Allele origin: germline.
Comment: Variant summary: BRCA1 c.213-14C>G alters a non-conserved nucleotide located close to a canonical splice site and therefore could affect mRNA splicing, leading to a significantly altered protein sequence. Several computational tools predict a significant impact on normal splicing: three predict the variant creates a 3' cryptic acceptor site, while one predicts the variant weakens the canonical 3' acceptor site. An in vitro functional study found that the variant results in a partial splicing effect, generating an abnormal product with an intronic retention of 59 bases that causes a frameshift with a premature stop codon (p.Arg71SerfsX11) in about 13% of the BRCA1 transcripts (Gelli_2019). The variant was absent in 250918 control chromosomes (gnomAD). The available data on variant occurrences in the general population are insufficient to allow any conclusion about variant significance. c.213-14C>G has been reported in the literature in an individual affected with Hereditary Breast and Ovarian Cancer (Gelli_2019). This report however does not provide unequivocal conclusions about association of the variant with Hereditary Breast and Ovarian Cancer. In addition, co-occurrence with another pathogenic BRCA1 variant has been reported (BRCA1 c.220C>T, p.Gln74X), providing supporting evidence for a benign role. Two ClinVar submissions (evaluation after 2014) cite the variant as uncertain significance. Based on the evidence outlined above, the variant was classified as VUS-possibly benign.

Mendelics
Classification: Uncertain significance for Breast-ovarian cancer, familial, susceptibility to, 1. Last evaluated: 2019-05-28. Review status: criteria provided, single submitter. Criteria: Mendelics Assertion Criteria 2017. Collection method: clinical testing. Allele origin: unknown.

Literature cited by the submitters: PubMed 30832263 (cited by Labcorp Genetics (formerly Invitae), Labcorp and Women's Health and Genetics/Laboratory Corporation of America, LabCorp); PubMed 35264596 (cited by Labcorp Genetics (formerly Invitae), Labcorp); PubMed 32123317 (cited by Labcorp Genetics (formerly Invitae), Labcorp).

NM_007294.4(BRCA1):c.213-14C>G

Gene: BRCA1 (BRCA1 DNA repair associated; minus strand). Cytogenetic location: 17q21.31.
Variant type: single nucleotide variant.
Coding change: c.213-14C>G on transcript NM_007294.4 (MANE Select); 14 bases into the intron before coding-DNA position 213, C replaced by G.
Molecular consequence: intron variant.
Genome position (GRCh38, 1-based): chr17:43,104,970, G>C on the plus strand (C>G on the coding strand, the complement: BRCA1 is on the minus strand). VCF-style: chr17-43104970-G-C. GRCh37 (hg19) VCF-style: chr17-41256987-G-C.
Other names: c.72-14C>G (NM_001408458.1, NM_001407931.1, NM_001407747.1 and 99 more transcripts); c.-218-10110C>G (NM_001407967.1, NM_001407966.1); c.-169-14C>G (NM_001407959.1, NM_001407962.1, NM_001408512.1 and 4 more transcripts); c.3-14C>G (NM_001407885.1, NM_001407886.1, NM_001407898.1 and 58 more transcripts); c.213-14C>G (NM_001407686.1, NM_001408397.1, NM_001407632.1 and 167 more transcripts); c.81-14C>G (NM_001408451.1); c.135-14C>G (NM_001408475.1, NM_001407875.1, NM_001407659.1 and 21 more transcripts).
Identifiers: ClinVar variation 409321 (VCV000409321.14), dbSNP rs1060502337, ClinGen allele CA16615416.